The following is an entry in ClinVar:

ClinVar aggregate classification (germline): Benign/Likely benign. Review status: criteria provided, multiple submitters, no conflicts (2 of 4 stars). 8 submissions from 6 submitters: Benign (2); Likely benign (6). Last evaluated 2025-04-29.

Conditions:
Short QT syndrome type 3. Identifiers: Orphanet 51083, MedGen C1865018, MONDO:0012314, OMIM 609622.
Cardiovascular phenotype. Identifiers: MedGen CN230736.
Atrial fibrillation, familial, 9 (ATFB9). Identifiers: MedGen C3151431, MONDO:0013513, OMIM 613980.
Andersen Tawil syndrome (LQT7). Also called: ANDERSEN CARDIODYSRHYTHMIC PERIODIC PARALYSIS; Potassium-sensitive periodic paralysis, ventricular ectopy, and dysmorphic features; LONG QT SYNDROME 7; PERIODIC PARALYSIS, POTASSIUM-SENSITIVE CARDIODYSRHYTHMIC TYPE; Andersen Syndrome. Identifiers: Orphanet 37553, MedGen C1563715, MONDO:0008222, OMIM 170390.

Allele frequency attached by ClinVar (database versions not stated): gnomAD 0.00013; ExAC 0.00021; gnomAD exomes 0.00029; ESP Exome Variant Server 0.00031; TOPMed 0.00036; 1000 Genomes Project 0.00040; 1000 Genomes Project 30x 0.00062.
gnomAD v4.1: 339 of 1,613,892 alleles (0.021%); highest among the groups gnomAD compares: Admixed American, 0.11%; 1 homozygote.

Submissions (8):

Women's Health and Genetics/Laboratory Corporation of America, LabCorp
Classification: Benign. Last evaluated: 2025-04-29. Review status: criteria provided, single submitter. Criteria: LabCorp Variant Classification Summary - May 2015. Collection method: clinical testing. Allele origin: germline.

Mayo Clinic Laboratories, Mayo Clinic
Classification: Likely benign. Last evaluated: 2025-01-31. Review status: criteria provided, single submitter. Criteria: ACMG Guidelines, 2015. Collection method: clinical testing. Allele origin: germline. Observed: 1 variant allele.
Comment: BS1, BS2_supporting, BP4, BP7

Blueprint Genetics
Classification: Likely benign. Last evaluated: 2024-11-21. Review status: criteria provided, single submitter. Criteria: ACMG Guidelines, 2015. Collection method: clinical testing. Allele origin: germline.

Ambry Genetics
Classification: Likely benign for Cardiovascular phenotype. Last evaluated: 2019-01-28. Review status: criteria provided, single submitter. Criteria: Ambry Variant Classification Scheme 2023. Collection method: clinical testing. Allele origin: germline.

Illumina Laboratory Services, Illumina
Classification: Likely benign for Atrial fibrillation, familial, 9. Last evaluated: 2017-04-27. Review status: criteria provided, single submitter. Criteria: ICSL Variant Classification Criteria 13 December 2019. Collection method: clinical testing. Allele origin: germline.
Comment: This variant was observed as part of a predisposition screen in an ostensibly healthy population. A literature search was performed for the gene, cDNA change, and amino acid change (where applicable). No publications were found based on this search. Allele frequency data from public databases allowed determination this variant is unlikely to cause disease. Therefore, this variant is classified as likely benign.

Illumina Laboratory Services, Illumina
Classification: Likely benign for Andersen Tawil syndrome. Last evaluated: 2017-04-27. Review status: criteria provided, single submitter. Criteria: ICSL Variant Classification Criteria 13 December 2019. Collection method: clinical testing. Allele origin: germline.
Comment: the same text as in the submission from Illumina Laboratory Services, Illumina above.

Illumina Laboratory Services, Illumina
Classification: Likely benign for Short QT syndrome type 3. Last evaluated: 2017-04-27. Review status: criteria provided, single submitter. Criteria: ICSL Variant Classification Criteria 13 December 2019. Collection method: clinical testing. Allele origin: germline.
Comment: the same text as in the submission from Illumina Laboratory Services, Illumina above.

GeneDx
Classification: Benign. Last evaluated: 2016-08-24. Review status: criteria provided, single submitter. Criteria: GeneDx Variant Classification (06012015). Collection method: clinical testing. Allele origin: germline. Affected: yes.
Comment: This variant is considered likely benign or benign based on one or more of the following criteria: it is a conservative change, it occurs at a poorly conserved position in the protein, it is predicted to be benign by multiple in silico algorithms, and/or has population frequency not consistent with disease.

NM_000891.3(KCNJ2):c.-2C>T

Gene: KCNJ2 (potassium inwardly rectifying channel subfamily J member 2; plus strand). Cytogenetic location: 17q24.3.
Variant type: single nucleotide variant.
Coding change: c.-2C>T on transcript NM_000891.3 (MANE Select); 2 bases upstream of the start codon, C replaced by T.
Molecular consequence: 5 prime UTR variant.
Genome position (GRCh38, 1-based): chr17:70,175,038, C>T. VCF-style: chr17-70175038-C-T. GRCh37 (hg19) VCF-style: chr17-68171179-C-T.
Identifiers: ClinVar variation 324829 (VCV000324829.13), dbSNP rs144760658, ClinGen allele CA8738674.